The following is an entry in ClinVar:

NM_004006.3(DMD):c.10877C>T (p.Pro3626Leu)

Gene: DMD (dystrophin; minus strand). Cytogenetic location: Xp21.2.
Variant type: single nucleotide variant.
Coding change: c.10877C>T on transcript NM_004006.3 (MANE Select); coding-DNA position 10877, C replaced by T.
Protein change: p.Pro3626Leu; replaces proline 3626 with leucine.
Molecular consequence: missense variant.
Genome position (GRCh38, 1-based): chrX:31,146,335, G>A on the plus strand (C>T on the coding strand, the complement: DMD is on the minus strand). VCF-style: chrX-31146335-G-A. GRCh37 (hg19) VCF-style: chrX-31164452-G-A.
Other names: c.10853C>T, p.Pro3618Leu (NM_000109.4); c.10865C>T, p.Pro3622Leu (NM_004009.3); c.10508C>T, p.Pro3503Leu (NM_004010.3); c.6854C>T, p.Pro2285Leu (NM_004011.4); c.6845C>T, p.Pro2282Leu (NM_004012.4); c.3497C>T, p.Pro1166Leu (NM_004013.3, NM_004021.3); c.2690C>T, p.Pro897Leu (NM_004014.3); c.1673C>T, p.Pro558Leu (NM_004015.3, NM_004016.3); and 3 more; short protein forms P1056L, P1153L, P3622L, P3626L, P3618L, P897L, P1166L, P2282L.
Identifiers: ClinVar variation 1439016 (VCV001439016.8), dbSNP rs2147921655, ClinGen allele CA412648671.

ClinVar aggregate classification (germline): Uncertain significance (1 of 4 stars; one submission).

Conditions:
Duchenne muscular dystrophy (DMD). Also called: Duchenne Muscular Dystrophy (DMD); MUSCULAR DYSTROPHY, PSEUDOHYPERTROPHIC PROGRESSIVE, DUCHENNE TYPE. Identifiers: Orphanet 98896, MedGen C0013264, MONDO:0010679, OMIM 310200.

Submission:

Labcorp Genetics (formerly Invitae), Labcorp
Classification: Uncertain significance for Duchenne muscular dystrophy. Last evaluated: 2021-03-01. Review status: criteria provided, single submitter. Criteria: Invitae Variant Classification Sherloc (09022015). Collection method: clinical testing. Allele origin: germline.
Comment: In summary, the available evidence is currently insufficient to determine the role of this variant in disease. Therefore, it has been classified as a Variant of Uncertain Significance. Algorithms developed to predict the effect of missense changes on protein structure and function are either unavailable or do not agree on the potential impact of this missense change (SIFT: "Tolerated"; PolyPhen-2: "Possibly Damaging"; Align-GVGD: "Class C0"). This variant has not been reported in the literature in individuals with DMD-related conditions. This variant is not present in population databases (ExAC no frequency). This sequence change replaces proline with leucine at codon 3626 of the DMD protein (p.Pro3626Leu). The proline residue is highly conserved and there is a moderate physicochemical difference between proline and leucine.